The following is an entry in ClinVar:

NM_002519.3(NPAT):c.3177C>G (p.Cys1059Trp)

Gene: NPAT (nuclear protein, coactivator of histone transcription; minus strand). Cytogenetic location: 11q22.3.
Variant type: single nucleotide variant.
Coding change: c.3177C>G on transcript NM_002519.3 (MANE Select); coding-DNA position 3177, C replaced by G.
Protein change: p.Cys1059Trp; replaces cysteine 1059 with tryptophan.
Molecular consequence: missense variant.
Genome position (GRCh38, 1-based): chr11:108,161,909, G>C on the plus strand (C>G on the coding strand, the complement: NPAT is on the minus strand). VCF-style: chr11-108161909-G-C. GRCh37 (hg19) VCF-style: chr11-108032636-G-C.
Other names: c.3198C>G, p.Cys1066Trp (NM_001321307.1); short protein forms C1059W, C1066W.
Identifiers: ClinVar variation 1728492 (VCV001728492.2), dbSNP rs2496697097, ClinGen allele CA382511370.

ClinVar aggregate classification (germline): Uncertain significance (1 of 4 stars; one submission).

Submission:

Ambry Genetics
Classification: Uncertain significance. Last evaluated: 2022-07-01. Review status: criteria provided, single submitter. Criteria: Ambry Variant Classification Scheme 2023. Collection method: clinical testing. Allele origin: germline.
Comment: The p.C1059W variant (also known as c.3177C>G), located in coding exon 17 of the NPAT gene, results from a C to G substitution at nucleotide position 3177. The cysteine at codon 1059 is replaced by tryptophan, an amino acid with highly dissimilar properties. This amino acid position is conserved. In addition, this alteration is predicted to be tolerated by in silico analysis. Since supporting evidence is limited at this time, the clinical significance of this alteration remains unclear.